The following is an entry in ClinVar:

ClinVar aggregate classification (germline): Conflicting classifications of pathogenicity. Review status: criteria provided, conflicting classifications (1 of 4 stars). 4 submissions from 4 submitters: Uncertain significance (1); Benign (1). 2 of the submissions do not count toward it. Last evaluated 2026-06-30.

Conditions:
GNAS-related disorder. Identifiers: MedGen CN380105.

Allele frequency attached by ClinVar (database versions not stated): gnomAD exomes 0.00007 and 0.00003; gnomAD 0.00007; ExAC 0.00013; TOPMed 0.00004.
gnomAD v4.1: 61 of 1,612,510 alleles (0.0038%); highest among the groups gnomAD compares: Non-Finnish European, 0.0048%; no homozygotes.

Submissions (4):

PreventionGenetics, part of Exact Sciences
Classification: Uncertain significance for GNAS-related condition. Last evaluated: 2026-06-30. Review status: criteria provided, single submitter. Criteria: ACMG Guidelines, 2015. Collection method: clinical testing. Allele origin: germline.
Comment: The GNAS c.1001G>A variant is predicted to result in the amino acid substitution p.Gly334Asp. In the primary transcript (NM_000516.5), this variant is found within a pre-coding region (c.-37461G>A). To our knowledge, this variant has not been reported in the literature. This variant is reported in 0.014% of alleles in individuals of European (Non-Finnish) descent in gnomAD. At this time, the clinical significance of this variant is uncertain due to the absence of conclusive functional and genetic evidence.

Blueprint Genetics
Classification: Benign. Last evaluated: 2024-07-04. Review status: criteria provided, single submitter. Criteria: ACMG Guidelines, 2015. Collection method: clinical testing. Allele origin: germline.

Clinical Genetics DNA and cytogenetics Diagnostics Lab, Erasmus MC, Erasmus Medical Center
Classification: Likely benign. Review status: no assertion criteria provided. Collection method: clinical testing. Allele origin: germline. Affected: yes. Study: VKGL Data-share Consensus. Not counted in ClinVar's aggregate classification.

Clinical Genetics, Academic Medical Center
Classification: Likely benign. Review status: no assertion criteria provided. Collection method: clinical testing. Allele origin: germline. Affected: yes. Study: VKGL Data-share Consensus. Not counted in ClinVar's aggregate classification.

NM_080425.4(GNAS):c.1001G>A (p.Gly334Asp)

Gene: GNAS (GNAS complex locus; plus strand). Cytogenetic location: 20q13.32.
Variant type: single nucleotide variant.
Coding change: c.1001G>A on transcript NM_080425.4 (MANE Plus Clinical); coding-DNA position 1001, G replaced by A.
Protein change: p.Gly334Asp; replaces glycine 334 with aspartic acid.
Molecular consequence: missense variant. On other transcripts: intron variant (3).
Genome position (GRCh38, 1-based): chr20:58,854,266, G>A. VCF-style: chr20-58854266-G-A. GRCh37 (hg19) VCF-style: chr20-57429321-G-A.
Other names: c.814G>A, p.Ala272Thr (NM_001077490.3, NM_001309883.1); c.1001G>A, p.Gly334Asp (NM_001410913.1); c.*42+13380G>A (NM_016592.5); c.43+13380G>A (NM_001410912.1); c.-39+12391G>A (NM_001309861.2); short protein forms A272T, G334D.
Identifiers: ClinVar variation 1328065 (VCV001328065.7), dbSNP rs535138966, ClinGen allele CA9926604.
Genomic context (GRCh38, chr20:58,854,266, plus strand): 5'-CCCCCGCTGGGGTCGACGACACTCCCGTCAACATGGACAGCCCCCCAATCGCGCTTGACG[G>A]CCCGCCCATCAAGGTCTCCGGAGCCCCAGATAAGAGAGAGCGAGCAGAGAGACCCCCAGT-3'
Protein context (NP_536350.2, residues 324-344): NMDSPPIALD[Gly334Asp]PPIKVSGAPD